The following is an entry in ClinVar:

NM_001130823.3(DNMT1):c.1028C>T (p.Thr343Met)

Gene: DNMT1 (DNA methyltransferase 1; minus strand). Cytogenetic location: 19p13.2.
Variant type: single nucleotide variant.
Coding change: c.1028C>T on transcript NM_001130823.3 (MANE Select); coding-DNA position 1028, C replaced by T.
Protein change: p.Thr343Met; replaces threonine 343 with methionine.
Molecular consequence: missense variant.
Genome position (GRCh38, 1-based): chr19:10,160,399, G>A on the plus strand (C>T on the coding strand, the complement: DNMT1 is on the minus strand). VCF-style: chr19-10160399-G-A. GRCh37 (hg19) VCF-style: chr19-10271075-G-A.
Other names: c.980C>T, p.Thr327Met (NM_001318730.2, NM_001379.4); c.665C>T, p.Thr222Met (NM_001318731.2); short protein forms T222M, T327M, T343M.
Identifiers: ClinVar variation 1005572 (VCV001005572.8), dbSNP rs773301158, ClinGen allele CA9188443.

ClinVar aggregate classification (germline): Uncertain significance (1 of 4 stars; one submission).

Conditions:
Hereditary sensory neuropathy-deafness-dementia syndrome. Also called: NEUROPATHY, HEREDITARY SENSORY, WITH HEARING LOSS AND DEMENTIA; Hereditary Sensory and Autonomic Neuropathy Type 1E (HSAN1E); HSN IE; Hereditary sensory neuropathy type IE. Identifiers: Orphanet 456318, MedGen C3279885, MONDO:0013584, OMIM 614116.

Allele frequency attached by ClinVar (database versions not stated): gnomAD exomes below 0.00001 and 0.00001; gnomAD 0.00001; TOPMed 0.00001; ExAC 0.00002.
gnomAD v4.1: 7 of 1,613,994 alleles (0.00043%); highest among the groups gnomAD compares: Middle Eastern, 0.033%; no homozygotes.

Submission:

Labcorp Genetics (formerly Invitae), Labcorp
Classification: Uncertain significance for Hereditary sensory neuropathy-deafness-dementia syndrome. Last evaluated: 2020-06-30. Review status: criteria provided, single submitter. Criteria: Invitae Variant Classification Sherloc (09022015). Collection method: clinical testing. Allele origin: germline.
Comment: In summary, the available evidence is currently insufficient to determine the role of this variant in disease. Therefore, it has been classified as a Variant of Uncertain Significance. Algorithms developed to predict the effect of missense changes on protein structure and function output the following: SIFT: "Tolerated"; PolyPhen-2: "Possibly Damaging"; Align-GVGD: "Class C0". The methionine amino acid residue is found in multiple mammalian species, suggesting that this missense change does not adversely affect protein function. These predictions have not been confirmed by published functional studies and their clinical significance is uncertain. This variant has not been reported in the literature in individuals with DNMT1-related conditions. This variant is present in population databases (rs773301158, ExAC 0.01%). This sequence change replaces threonine with methionine at codon 343 of the DNMT1 protein (p.Thr343Met). The threonine residue is moderately conserved and there is a moderate physicochemical difference between threonine and methionine.